The following is an entry in ClinVar:

ClinVar aggregate classification (germline): Pathogenic (1 of 4 stars; one submission).

Submission:

Quest Diagnostics Nichols Institute San Juan Capistrano
Classification: Pathogenic. Last evaluated: 2023-10-10. Review status: criteria provided, single submitter. Criteria: ACMG/ClinGen CNV Guidelines, 2019. Collection method: clinical testing. Allele origin: unknown.
Comment: Duplications involving distal 19p have been reported in association with various phenotypes (Ishikawa 2013, Martinez Anaya 2020, Nevado 2015, Novikova 2017, Orellana 2015, Ozer 2021, Seidel 2014, Tenorio 2020). There are no similar copy number gains of this region in the general populations of the Database of Genomic Variants. Thus, based on current medical literature and gene content, this CNV is classified as pathogenic. References: Ishikawa et al., Am J Med Genet A. 2013 Sep;161A(9):2300-4. PMID: 23897601; Martinez Anaya et al., Cytogenet Genome Res. 2020;160(4):177-184. PMID: 32369810; Nevado et al., Eur J Hum Genet. 2015 Dec;23(12):1615-26. PMID: 25853300; Novikova et al., J Pediatr Genet. 2017 Dec;6(4):227-233. PMID: 29142765; Orellana et al., Am J Med Genet A. 2015 Jul;167(7):1614-20. PMID: 25858326; Ozer et al., Turk J Pediatr. 2021;63(1):174-180. PMID: 33686842; Seidel et al., J Med Genet. 2014 Apr;51(4):254-63. PMID: 24431329; Tenorio et al., Clin Genet. 2020 Mar;97(3):467-476. PMID: 31972898

GRCh37/hg19 19p13.3-13.2(chr19:260912-7246777)x3

Genes: ACER1 (alkaline ceramidase 1; minus strand), ABCA7 (ATP binding cassette subfamily A member 7; plus strand), ABHD17A (abhydrolase domain containing 17A, depalmitoylase; minus strand), ACSBG2 (acyl-CoA synthetase bubblegum family member 2; plus strand), ADAMTSL5 (ADAMTS like 5; minus strand) and 199 more. Cytogenetic location: 19p13.3-13.2.
Variant type: copy number gain.
Change: copy number 3 (three copies instead of two) of chr19:260,912-7,246,777 (6.99 Mb, GRCh37 coordinates, 1-based), cytogenetic band 19p13.3-13.2.
Identifiers: ClinVar variation 2684882 (VCV002684882.1).